The following is an entry in ClinVar:

NM_003051.4(SLC16A1):c.586C>T (p.Arg196Ter)

Gene: SLC16A1 (solute carrier family 16 member 1; minus strand). Cytogenetic location: 1p13.2.
Variant type: single nucleotide variant.
Coding change: c.586C>T on transcript NM_003051.4 (MANE Select); coding-DNA position 586, C replaced by T.
Protein change: p.Arg196Ter; replaces arginine 196 with a stop codon.
Molecular consequence: nonsense.
Genome position (GRCh38, 1-based): chr1:112,917,820, G>A on the plus strand (C>T on the coding strand, the complement: SLC16A1 is on the minus strand). VCF-style: chr1-112917820-G-A. GRCh37 (hg19) VCF-style: chr1-113460442-G-A.
Other names: c.586C>T, p.Arg196Ter (NM_001166496.2); short protein forms R196*.
Identifiers: ClinVar variation 158081 (VCV000158081.2), dbSNP rs606231300, ClinGen allele CA171489.

ClinVar aggregate classification (germline): Pathogenic. Review status: criteria provided, single submitter (1 of 4 stars). 2 submissions from 2 submitters: Pathogenic (1). 1 of the submissions does not count toward it. Last evaluated 2025-05-29.

Conditions:
Monocarboxylate transporter 1 deficiency, autosomal dominant. Identifiers: MedGen C4016684.
Ketoacidosis due to monocarboxylate transporter-1 deficiency. Also called: Monocarboxylate transporter 1 deficiency. Identifiers: Orphanet 438075, MedGen C4015186, MONDO:0014490, OMIM 616095.

Allele frequency attached by ClinVar (database versions not stated): TOPMed below 0.00001; gnomAD exomes below 0.00001.
gnomAD v4.1: 3 of 1,614,114 alleles (0.00019%); highest among the groups gnomAD compares: Non-Finnish European, 0.00025%; no homozygotes.

Submissions (2):

First Genomix Gene Laboratory, Genetic Diagnostics Department
Classification: Pathogenic for Ketoacidosis due to monocarboxylate transporter-1 deficiency. Last evaluated: 2025-05-29. Review status: criteria provided, single submitter. Criteria: ACMG Guidelines, 2015. Collection method: clinical testing. Allele origin: germline. Inheritance: Autosomal recessive inheritance. Affected: no. Observed: 1 variant allele.

OMIM
Classification: Pathogenic for MONOCARBOXYLATE TRANSPORTER 1 DEFICIENCY, AUTOSOMAL DOMINANT. Last evaluated: 2014-11-13. Review status: no assertion criteria provided. Collection method: literature only. Allele origin: germline. Not counted in ClinVar's aggregate classification.

Literature cited by the submitters: van Hasselt, P. M., Ferdinandusse, S., Monroe, G. R., Ruiter, J. P. N., Turkenburg, M., Geerlings, M. J., Duran, K., Harakalova, M., van der Zwaag, B., Monavari, A. A., Okur, I., Sharrard, M. J., and 11 others Monocarboxylate transporter 1 deficiency and ketone utilization. New Eng. J. Med. 371: 1900-1907, 2014. (cited by OMIM).